The following is an entry in ClinVar:

NM_201384.3(PLEC):c.12475C>T (p.Arg4159Cys)

Gene: PLEC (plectin; minus strand). Cytogenetic location: 8q24.3.
Variant type: single nucleotide variant.
Coding change: c.12475C>T on transcript NM_201384.3 (MANE Select); coding-DNA position 12475, C replaced by T.
Protein change: p.Arg4159Cys; replaces arginine 4159 with cysteine.
Molecular consequence: missense variant.
Genome position (GRCh38, 1-based): chr8:143,917,346, G>A on the plus strand (C>T on the coding strand, the complement: PLEC is on the minus strand). VCF-style: chr8-143917346-G-A. GRCh37 (hg19) VCF-style: chr8-144991514-G-A.
Other names: c.12556C>T, p.Arg4186Cys (NM_000445.5); c.12433C>T, p.Arg4145Cys (NM_201378.4); c.12409C>T, p.Arg4137Cys (NM_201379.3); c.12886C>T, p.Arg4296Cys (NM_201380.4); c.12379C>T, p.Arg4127Cys (NM_201381.3); c.12475C>T, p.Arg4159Cys (NM_201382.4); c.12487C>T, p.Arg4163Cys (NM_201383.3); short protein forms R4163C, R4127C, R4137C, R4145C, R4159C, R4296C, R4186C.
Identifiers: ClinVar variation 281685 (VCV000281685.24), dbSNP rs201069314, ClinGen allele CA4924076.
Genomic context (GRCh38, chr8:143,917,346, plus strand): 5'-CCCACTCGCACTCCTGCTCGGACAGCTCCAGGTACGTCTGGTGGTCAATCAGGCCCTTGC[G>A]GTAGGCCTCGTACACTGACATCTCCTTGCCCGTCTCGGGGTCCACGATGACCACTCGGCG-3'
Protein context (NP_958786.1, residues 4149-4169): GKEMSVYEAY[Arg4159Cys]KGLIDHQTYL

ClinVar aggregate classification (germline): Conflicting classifications of pathogenicity. Review status: criteria provided, conflicting classifications (1 of 4 stars). 6 submissions from 6 submitters: Uncertain significance (2); Likely benign (3). 1 of the submissions does not count toward it. Last evaluated 2025-12-01.

Conditions:
PLEC-related disorder. Also called: PLEC-related condition; PLEC-related disorders.
Epidermolysis bullosa simplex 5B, with muscular dystrophy (EBS5B). Also called: EPIDERMOLYSIS BULLOSA SIMPLEX AND LIMB-GIRDLE MUSCULAR DYSTROPHY; Epidermolysis bullosa simplex with muscular dystrophy. Identifiers: Orphanet 257, MedGen C2931072, MONDO:0009181, OMIM 226670.
Epidermolysis bullosa simplex with nail dystrophy (EBS5D). Identifiers: MedGen C4225309, MONDO:0014661, OMIM 616487.
Autosomal recessive limb-girdle muscular dystrophy type 2Q (LGMDR17). Also called: MUSCULAR DYSTROPHY, LIMB-GIRDLE, AUTOSOMAL RECESSIVE 17. Identifiers: Orphanet 254361, MedGen C3150989, MONDO:0013390, OMIM 613723.
Epidermolysis bullosa simplex 5C, with pyloric atresia (EBS5C). Also called: PLEC1-Related Epidermolysis Bullosa with Pyloric Atresia; PLEC-Related Epidermolysis Bullosa with Pyloric Atresia; Epidermolysis bullosa simplex with pyloric atresia. Identifiers: Orphanet 158684, MedGen C2677349, MONDO:0012807, OMIM 612138.
Epidermolysis bullosa simplex, Ogna type (EBS5A). Also called: Pidermolysis bullosa simplex 5A, Ogna type; EPIDERMOLYSIS BULLOSA SIMPLEX 5A, OGNA TYPE. Identifiers: Orphanet 79401, MedGen C0432317, MONDO:0007555, OMIM 131950.
Inborn genetic diseases. Identifiers: MedGen C0950123, MeSH D030342.

Allele frequency attached by ClinVar (database versions not stated): ESP Exome Variant Server 0.00023; gnomAD 0.00024 and 0.00026; TOPMed 0.00027; gnomAD exomes 0.00029 and 0.00045; ExAC 0.00047.
gnomAD v4.1: 454 of 1,609,890 alleles (0.028%); highest among the groups gnomAD compares: Admixed American, 0.14%; 1 homozygote.

Submissions (6):

Labcorp Genetics (formerly Invitae), Labcorp
Classification: Likely benign for Autosomal recessive limb-girdle muscular dystrophy type 2Q; Epidermolysis bullosa simplex, Ogna type; Epidermolysis bullosa simplex with nail dystrophy; Epidermolysis bullosa simplex 5C, with pyloric atresia; Epidermolysis bullosa simplex 5B, with muscular dystrophy. Last evaluated: 2025-12-01. Review status: criteria provided, single submitter. Criteria: Invitae Variant Classification Sherloc (09022015). Collection method: clinical testing. Allele origin: germline.

Ambry Genetics
Classification: Uncertain significance for Inborn genetic diseases. Last evaluated: 2025-11-11. Review status: criteria provided, single submitter. Criteria: Ambry Variant Classification Scheme 2023. Collection method: clinical testing. Allele origin: germline.

Athena Diagnostics
Classification: Likely benign. Last evaluated: 2020-06-02. Review status: criteria provided, single submitter. Criteria: Athena Diagnostics Criteria. Collection method: clinical testing. Allele origin: unknown.

GeneDx
Classification: Likely benign. Last evaluated: 2019-01-31. Review status: criteria provided, single submitter. Criteria: GeneDx Variant Classification Process June 2021. Collection method: clinical testing. Allele origin: germline. Affected: yes.
Comment: In silico analysis, which includes protein predictors and evolutionary conservation, supports a deleterious effect; Missense variant in a gene in which most reported pathogenic variants are truncating/loss-of-function

Eurofins Ntd Llc (ga)
Classification: Uncertain significance. Last evaluated: 2018-09-14. Review status: criteria provided, single submitter. Criteria: EGL ClinVar v180209 classification definitions. Collection method: clinical testing. Allele origin: germline. Observed: 6 variant alleles, 6 heterozygotes.

PreventionGenetics, part of Exact Sciences
Classification: Likely benign for PLEC-related condition. Last evaluated: 2022-11-03. Review status: no assertion criteria provided. Collection method: clinical testing. Allele origin: germline. Not counted in ClinVar's aggregate classification.
Comment: This variant is classified as likely benign based on ACMG/AMP sequence variant interpretation guidelines (Richards et al. 2015 PMID: 25741868, with internal and published modifications).